The following is an entry in ClinVar:

NM_015122.3(FCHO1):c.1822G>C (p.Gly608Arg)

Gene: FCHO1 (FCH and mu domain containing endocytic adaptor 1; plus strand). Cytogenetic location: 19p13.11.
Variant type: single nucleotide variant.
Coding change: c.1822G>C on transcript NM_015122.3 (MANE Select); coding-DNA position 1822, G replaced by C.
Protein change: p.Gly608Arg; replaces glycine 608 with arginine.
Molecular consequence: missense variant. On other transcripts: non-coding transcript variant (36).
Genome position (GRCh38, 1-based): chr19:17,781,533, G>C. VCF-style: chr19-17781533-G-C. GRCh37 (hg19) VCF-style: chr19-17892342-G-C.
Other names: c.1822G>C, p.Gly608Arg (NM_001161357.2, NM_001161358.2, NM_001384370.1 and 13 more transcripts); c.1672G>C, p.Gly558Arg (NM_001161359.2, NM_001384384.1, NM_001384385.1 and 1 more transcripts); c.1783G>C, p.Gly595Arg (NM_001384388.1, NM_001384389.1, NM_001384405.1); c.1747G>C, p.Gly583Arg (NM_001384390.1); c.1705G>C, p.Gly569Arg (NM_001384392.1, NM_001384393.1, NM_001384394.1 and 1 more transcripts); c.1396G>C, p.Gly466Arg (NM_001384406.1); c.1252G>C, p.Gly418Arg (NM_001384407.1); c.1546G>C, p.Gly516Arg (NM_001384396.1, NM_001384397.1, NM_001384398.1 and 5 more transcripts); and 1 more; short protein forms G501R, G558R, G569R, G608R, G516R, G583R, G595R, G418R.
Identifiers: ClinVar variation 2042223 (VCV002042223.4), dbSNP rs2514062294, ClinGen allele CA404754918.

ClinVar aggregate classification (germline): Uncertain significance (1 of 4 stars; one submission).

Submission:

Labcorp Genetics (formerly Invitae), Labcorp
Classification: Uncertain significance. Last evaluated: 2023-12-07. Review status: criteria provided, single submitter. Criteria: Invitae Variant Classification Sherloc (09022015). Collection method: clinical testing. Allele origin: germline.
Comment: This sequence change replaces glycine, which is neutral and non-polar, with arginine, which is basic and polar, at codon 608 of the FCHO1 protein (p.Gly608Arg). This variant is not present in population databases (gnomAD no frequency). This variant has not been reported in the literature in individuals affected with FCHO1-related conditions. ClinVar contains an entry for this variant (Variation ID: 2042223). An algorithm developed to predict the effect of missense changes on protein structure and function (PolyPhen-2) suggests that this variant is likely to be disruptive. In summary, the available evidence is currently insufficient to determine the role of this variant in disease. Therefore, it has been classified as a Variant of Uncertain Significance.